The following is an entry in ClinVar:

ClinVar aggregate classification (germline): Uncertain significance. Review status: criteria provided, multiple submitters, no conflicts (2 of 4 stars). 3 submissions from 3 submitters: Uncertain significance (3). Last evaluated 2022-08-31.

Submissions (3):

Labcorp Genetics (formerly Invitae), Labcorp
Classification: Uncertain significance. Last evaluated: 2022-08-31. Review status: criteria provided, single submitter. Criteria: Invitae Variant Classification Sherloc (09022015). Collection method: clinical testing. Allele origin: germline.
Comment: In summary, the available evidence is currently insufficient to determine the role of this variant in disease. Therefore, it has been classified as a Variant of Uncertain Significance. Advanced modeling of protein sequence and biophysical properties (such as structural, functional, and spatial information, amino acid conservation, physicochemical variation, residue mobility, and thermodynamic stability) performed at Invitae indicates that this missense variant is not expected to disrupt WFS1 protein function. ClinVar contains an entry for this variant (Variation ID: 1316303). This variant has not been reported in the literature in individuals affected with WFS1-related conditions. This variant is not present in population databases (gnomAD no frequency). This sequence change replaces valine, which is neutral and non-polar, with leucine, which is neutral and non-polar, at codon 545 of the WFS1 protein (p.Val545Leu).

Blueprint Genetics
Classification: Uncertain significance. Last evaluated: 2019-12-18. Review status: criteria provided, single submitter. Criteria: ACMG Guidelines, 2015. Collection method: clinical testing. Allele origin: germline.

GeneDx
Classification: Uncertain significance. Last evaluated: 2019-03-18. Review status: criteria provided, single submitter. Criteria: GeneDx Variant Classification Process June 2021. Collection method: clinical testing. Allele origin: germline. Affected: yes.
Comment: Not observed in large population cohorts (Lek et al., 2016); In silico analysis, which includes protein predictors and evolutionary conservation, supports that this variant does not alter protein structure/function; Has not been previously published as pathogenic or benign to our knowledge

NM_006005.3(WFS1):c.1633G>C (p.Val545Leu)

Gene: WFS1 (wolframin ER transmembrane glycoprotein; plus strand). Cytogenetic location: 4p16.1.
Variant type: single nucleotide variant.
Coding change: c.1633G>C on transcript NM_006005.3 (MANE Select); coding-DNA position 1633, G replaced by C.
Protein change: p.Val545Leu; replaces valine 545 with leucine.
Molecular consequence: missense variant.
Genome position (GRCh38, 1-based): chr4:6,301,428, G>C. VCF-style: chr4-6301428-G-C. GRCh37 (hg19) VCF-style: chr4-6303155-G-C.
Other names: c.1633G>C, p.Val545Leu (NM_001145853.1); short protein forms V545L.
Identifiers: ClinVar variation 1316303 (VCV001316303.10), dbSNP rs201993978, ClinGen allele CA356176356.